The following is an entry in ClinVar:

ClinVar aggregate classification (germline): Conflicting classifications of pathogenicity. Review status: criteria provided, conflicting classifications (1 of 4 stars). 4 submissions from 4 submitters: Uncertain significance (3); Likely benign (1). Last evaluated 2026-06-10.

Conditions:
Brugada syndrome 4 (BRGDA4). Identifiers: Orphanet 130, MedGen C2678477, MONDO:0012743, OMIM 611876.
Cardiovascular phenotype. Identifiers: MedGen CN230736.

Allele frequency attached by ClinVar (database versions not stated): gnomAD 0.00001; TOPMed 0.00003; ExAC 0.00004.
gnomAD v4.1: 71 of 1,613,932 alleles (0.0044%); highest among the groups gnomAD compares: Non-Finnish European, 0.0059%; no homozygotes.

Submissions (4):

Ambry Genetics
Classification: Uncertain significance for Cardiovascular phenotype. Last evaluated: 2026-06-10. Review status: criteria provided, single submitter. Criteria: Ambry Variant Classification Scheme 2023. Collection method: clinical testing. Allele origin: germline.
Comment: The p.R493C variant (also known as c.1477C>T), located in coding exon 13 of the CACNB2 gene, results from a C to T substitution at nucleotide position 1477. The arginine at codon 493 is replaced by cysteine, an amino acid with highly dissimilar properties. This amino acid position is highly conserved in available vertebrate species. In addition, this alteration is predicted to be deleterious by in silico analysis. The evidence for this gene-disease relationship is limited; therefore, the clinical significance of this variant is unclear.

Labcorp Genetics (formerly Invitae), Labcorp
Classification: Uncertain significance for Brugada syndrome 4. Last evaluated: 2024-02-19. Review status: criteria provided, single submitter. Criteria: Invitae Variant Classification Sherloc (09022015). Collection method: clinical testing. Allele origin: germline.
Comment: This sequence change replaces arginine, which is basic and polar, with cysteine, which is neutral and slightly polar, at codon 493 of the CACNB2 protein (p.Arg493Cys). This variant is present in population databases (rs774654438, gnomAD 0.006%). This variant has not been reported in the literature in individuals affected with CACNB2-related conditions. ClinVar contains an entry for this variant (Variation ID: 537368). Advanced modeling of protein sequence and biophysical properties (such as structural, functional, and spatial information, amino acid conservation, physicochemical variation, residue mobility, and thermodynamic stability) performed at Invitae indicates that this missense variant is not expected to disrupt CACNB2 protein function with a negative predictive value of 80%. In summary, the available evidence is currently insufficient to determine the role of this variant in disease. Therefore, it has been classified as a Variant of Uncertain Significance.

Blueprint Genetics
Classification: Likely benign. Last evaluated: 2022-11-30. Review status: criteria provided, single submitter. Criteria: ACMG Guidelines, 2015. Collection method: clinical testing. Allele origin: germline.

Stanford Center for Inherited Cardiovascular Disease, Stanford University
Classification: Uncertain significance. Last evaluated: 2017-09-28. Review status: criteria provided, single submitter. Criteria: ACMG Guidelines, 2015. Collection method: provider interpretation. Allele origin: germline.

NM_201596.3(CACNB2):c.1639C>T (p.Arg547Cys)

Gene: CACNB2 (calcium voltage-gated channel auxiliary subunit beta 2; plus strand). Cytogenetic location: 10p12.31.
Variant type: single nucleotide variant.
Coding change: c.1639C>T on transcript NM_201596.3 (MANE Select); coding-DNA position 1639, C replaced by T.
Protein change: p.Arg547Cys; replaces arginine 547 with cysteine.
Molecular consequence: missense variant.
Genome position (GRCh38, 1-based): chr10:18,539,380, C>T. VCF-style: chr10-18539380-C-T. GRCh37 (hg19) VCF-style: chr10-18828309-C-T.
Other names: c.1474C>T, p.Arg492Cys (NM_000724.4); c.1441C>T, p.Arg481Cys (NM_001167945.2); c.1360C>T, p.Arg454Cys (NM_001330060.2); c.1495C>T, p.Arg499Cys (NM_201570.3); c.1555C>T, p.Arg519Cys (NM_201571.4); c.1483C>T, p.Arg495Cys (NM_201572.4); c.1477C>T, p.Arg493Cys (NM_201590.3); c.1525C>T, p.Arg509Cys (NM_201593.3); and 1 more; short protein forms R493C, R547C, R454C, R523C, R492C, R519C, R509C, R481C.
Identifiers: ClinVar variation 537368 (VCV000537368.12), dbSNP rs774654438, ClinGen allele CA5430116.